The following is an entry in ClinVar:

NM_006231.4(POLE):c.3347_3350delinsTT (p.Ser1116fs)

Gene: POLE (DNA polymerase epsilon, catalytic subunit; minus strand). Cytogenetic location: 12q24.33.
Variant type: Indel.
Coding change: c.3347_3350delinsTT on transcript NM_006231.4 (MANE Select); coding-DNA positions 3347 to 3350, GCTC replaced by TT.
Protein change: p.Ser1116fs; shifts the reading frame from serine 1116.
Molecular consequence: frameshift variant.
Genome position (GRCh38, 1-based): chr12:132,657,896-132,657,899, GAGC replaced by AA on the plus strand (GCTC replaced by TT on the coding strand, the reverse complement: POLE is on the minus strand). VCF-style: chr12-132657896-GAGC-AA. GRCh37 (hg19) VCF-style: chr12-133234482-GAGC-AA.
Other names: short protein forms S1116fs.
Identifiers: ClinVar variation 473590 (VCV000473590.4), dbSNP rs1555225303, ClinGen allele CA658658189.

ClinVar aggregate classification (germline): Conflicting classifications of pathogenicity. Review status: criteria provided, conflicting classifications (1 of 4 stars). 2 submissions from 2 submitters: Pathogenic (1); Uncertain significance (1). Last evaluated 2025-01-20.

Conditions:
Hereditary cancer-predisposing syndrome. Also called: Neoplastic Syndromes, Hereditary; Tumor predisposition; Hereditary Cancer Syndrome; Hereditary neoplastic syndrome. Identifiers: Orphanet 140162, MedGen C0027672, MeSH D009386, MONDO:0015356.

Submissions (2):

Ambry Genetics
Classification: Uncertain significance for Hereditary cancer-predisposing syndrome. Last evaluated: 2025-01-20. Review status: criteria provided, single submitter. Criteria: Ambry Variant Classification Scheme 2023. Collection method: clinical testing. Allele origin: germline.
Comment: The c.3347_3350delGCTCinsTT variant, located in coding exon 27 of the POLE gene, results from the deletion of 4 nucleotides and insertion of two nucleotides causing a translational frameshift with a predicted alternate stop codon (p.S1116Ifs*7). This alteration is expected to result in loss of function by premature protein truncation or nonsense-mediated mRNA decay. Loss-of-function variants subject to nonsense mediated decay (NMD) in POLE are known to cause POLE deficiency; however, such associations with POLE-related polymerase proofreading-associated polyposis (PPAP) have not been reported. Based on the supporting evidence, this alteration is pathogenic for POLE deficiency; however, the association of this alteration with POLE-related polymerase proofreading-associated polyposis (PPAP) is unknown.

Labcorp Genetics (formerly Invitae), Labcorp
Classification: Pathogenic. Last evaluated: 2024-04-29. Review status: criteria provided, single submitter. Criteria: Invitae Variant Classification Sherloc (09022015). Collection method: clinical testing. Allele origin: germline.
Comment: This sequence change creates a premature translational stop signal (p.Ser1116Ilefs*7) in the POLE gene. It is expected to result in an absent or disrupted protein product. Loss-of-function variants in POLE are known to be pathogenic (PMID: 23230001, 25948378, 30503519). Information on the frequency of this variant in the gnomAD database is not available, as this variant may be reported differently in the database. This variant has not been reported in the literature in individuals affected with POLE-related conditions. For these reasons, this variant has been classified as Pathogenic.

Literature cited by the submitters: PubMed 23230001 (cited by Labcorp Genetics (formerly Invitae), Labcorp); PubMed 25948378 (cited by Labcorp Genetics (formerly Invitae), Labcorp); PubMed 30503519 (cited by Labcorp Genetics (formerly Invitae), Labcorp).